The following is an entry in ClinVar:

NM_004006.3(DMD):c.6912+176A>G

Gene: DMD (dystrophin; minus strand). Cytogenetic location: Xp21.1.
Variant type: single nucleotide variant.
Coding change: c.6912+176A>G on transcript NM_004006.3 (MANE Select); 176 bases into the intron after coding-DNA position 6912, A replaced by G.
Molecular consequence: intron variant.
Genome position (GRCh38, 1-based): chrX:31,929,420, T>C on the plus strand (A>G on the coding strand, the complement: DMD is on the minus strand). VCF-style: chrX-31929420-T-C. GRCh37 (hg19) VCF-style: chrX-31947537-T-C.
Other names: c.6888+176A>G (NM_000109.4); c.2889+176A>G (NM_004011.4); c.2880+176A>G (NM_004012.4); c.-469+176A>G (NM_004023.3, NM_004020.4, NM_004022.3 and 2 more transcripts); c.6900+176A>G (NM_004009.3); c.6543+176A>G (NM_004010.3).
Identifiers: ClinVar variation 675876 (VCV000675876.1), dbSNP rs16989969, ClinGen allele CA328487623.

ClinVar aggregate classification (germline): Benign (1 of 4 stars; one submission).

Allele frequency attached by ClinVar (database versions not stated): gnomAD 0.01997 and 0.02124; 1000 Genomes Project 0.02093; 1000 Genomes Project 30x 0.02227; TOPMed 0.02310.
gnomAD v4.1: 2,208 of 111,747 alleles (2%); highest among the groups gnomAD compares: African/African-American, 6.8%; 55 homozygotes.

Submission:

GeneDx
Classification: Benign. Last evaluated: 2018-06-18. Review status: criteria provided, single submitter. Criteria: GeneDx Variant Classification (06012015). Collection method: clinical testing. Allele origin: germline. Affected: yes.
Comment: This variant is considered likely benign or benign based on one or more of the following criteria: it is a conservative change, it occurs at a poorly conserved position in the protein, it is predicted to be benign by multiple in silico algorithms, and/or has population frequency not consistent with disease.